The following is an entry in ClinVar:

NM_153252.5(BRWD3):c.5233C>T (p.Pro1745Ser)

Gene: BRWD3 (bromodomain and WD repeat domain containing 3; minus strand). Cytogenetic location: Xq21.1.
Variant type: single nucleotide variant.
Coding change: c.5233C>T on transcript NM_153252.5 (MANE Select); coding-DNA position 5233, C replaced by T.
Protein change: p.Pro1745Ser; replaces proline 1745 with serine.
Molecular consequence: missense variant.
Genome position (GRCh38, 1-based): chrX:80,676,785, G>A on the plus strand (C>T on the coding strand, the complement: BRWD3 is on the minus strand). VCF-style: chrX-80676785-G-A. GRCh37 (hg19) VCF-style: chrX-79932284-G-A.
Other names: short protein forms P1745S.
Identifiers: ClinVar variation 1708791 (VCV001708791.2), dbSNP rs2520198818, ClinGen allele CA413746297.

ClinVar aggregate classification (germline): Uncertain significance (1 of 4 stars; one submission).

Submission:

GeneDx
Classification: Uncertain significance. Last evaluated: 2022-04-08. Review status: criteria provided, single submitter. Criteria: GeneDx Variant Classification Process June 2021. Collection method: clinical testing. Allele origin: germline. Affected: yes.
Comment: Not observed at significant frequency in large population cohorts (gnomAD); In silico analysis supports that this missense variant does not alter protein structure/function; Has not been previously published as pathogenic or benign to our knowledge